The following is an entry in ClinVar:

NM_000322.5(PRPH2):c.945del (p.Trp316fs)

Genes: PRPH2 (peripherin 2; minus strand), UBR2 (ubiquitin protein ligase E3 component n-recognin 2; plus strand). Cytogenetic location: 6p21.1.
Variant type: Deletion.
Coding change: c.945del on transcript NM_000322.5 (MANE Select); coding-DNA position 945, one base deleted (C; older notation c.945delC).
Protein change: p.Trp316fs; shifts the reading frame from tryptophan 316.
Molecular consequence: frameshift variant.
Genome position (GRCh38, 1-based): chr6:42,698,391, G deleted on the plus strand (C on the coding strand, the reverse complement: PRPH2 is on the minus strand); the first of 2 consecutive G bases (chr6:42,698,391-42,698,392); deleting either gives the same sequence. VCF-style (leftmost placement, unchanged base first): chr6-42698390-AG-A. GRCh37 (hg19) VCF-style: chr6-42666128-AG-A.
Other names: short protein forms W316fs.
Identifiers: ClinVar variation 1175303 (VCV001175303.5), dbSNP rs2152003822, ClinGen allele CA2499218258.

ClinVar aggregate classification (germline): Pathogenic. Review status: criteria provided, multiple submitters, no conflicts (2 of 4 stars). 5 submissions from 5 submitters: Pathogenic (4). 1 of the submissions does not count toward it. Last evaluated 2025-09-04.

Conditions:
Retinal dystrophy. Also called: Inherited retinal dystrophy. Identifiers: Orphanet 71862, MedGen C0854723, MeSH D058499, MONDO:0019118, HP:0000556.
PRPH2-related disorder. Also called: PRPH2-related condition; PRPH2-related disorders. Identifiers: MedGen CN239395.
Multifocal pattern dystrophy simulating fundus flavimaculatus. Identifiers: Orphanet 99003, MedGen C4509881, MONDO:0020382.

Submissions (5):

Labcorp Genetics (formerly Invitae), Labcorp
Classification: Pathogenic for PRPH2-related disorder. Last evaluated: 2025-09-04. Review status: criteria provided, single submitter. Criteria: Invitae Variant Classification Sherloc (09022015). Collection method: clinical testing. Allele origin: germline.
Comment: This sequence change creates a premature translational stop signal (p.Trp316Glyfs*8) in the PRPH2 gene. While this is not anticipated to result in nonsense mediated decay, it is expected to disrupt the last 31 amino acid(s) of the PRPH2 protein. This variant is not present in population databases (gnomAD no frequency). This premature translational stop signal has been observed in individual(s) with PRPH2-related conditions (PMID: 23591405, 32531858). ClinVar contains an entry for this variant (Variation ID: 1175303). This variant disrupts a region of the PRPH2 protein in which other variant(s) (p.Val332Glu) have been determined to be pathogenic (PMID: 32531846; internal data). This suggests that this is a clinically significant region of the protein, and that variants that disrupt it are likely to be disease-causing. For these reasons, this variant has been classified as Pathogenic.

Institute of Medical Genetics and Applied Genomics, University Hospital Tübingen
Classification: Pathogenic for Multifocal pattern dystrophy simulating fundus flavimaculatus. Last evaluated: 2023-10-05. Review status: criteria provided, single submitter. Criteria: ACMG Guidelines, 2015. Collection method: clinical testing. Allele origin: germline. Inheritance: Autosomal dominant inheritance. Affected: yes.

Blueprint Genetics
Classification: Pathogenic for PRPH2-related disorders. Last evaluated: 2022-03-11. Review status: criteria provided, single submitter. Criteria: ACMG Guidelines, 2015. Collection method: clinical testing. Allele origin: germline. Affected: yes. Observed: 5 variant alleles.

Institute of Human Genetics, Univ. Regensburg, Univ. Regensburg
Classification: Pathogenic for Retinal dystrophy. Last evaluated: 2020-01-01. Review status: criteria provided, single submitter. Criteria: ACMG Guidelines, 2015. Collection method: clinical testing. Allele origin: germline. Affected: yes.

Leiden Open Variation Database
Classification: Pathogenic. Last evaluated: 2021-04-06. Review status: no assertion criteria provided. Collection method: curation. Allele origin: germline. Affected: yes. Not counted in ClinVar's aggregate classification.
Comment: Curator: Global Variome, with Curator vacancy. Submitter to LOVD: Manon Peeters.

Literature cited by the submitters: PubMed 23591405 (cited by 3 submitters); PubMed 32531858 (cited by Labcorp Genetics (formerly Invitae), Labcorp and Institute of Human Genetics, Univ. Regensburg, Univ. Regensburg); PubMed 32531846 (cited by Labcorp Genetics (formerly Invitae), Labcorp); PubMed 34411390 (cited by Institute of Human Genetics, Univ. Regensburg, Univ. Regensburg).